The following is an entry in ClinVar:

ClinVar aggregate classification (germline): Uncertain significance (1 of 4 stars; one submission).

Conditions:
Distal hereditary motor neuropathy type 2. Identifiers: Orphanet 139525, MedGen C3711384, MeSH C580044, MONDO:0015352.

gnomAD v4.1: 1 of 1,612,950 alleles (0.000062%); highest among the groups gnomAD compares: African/African-American, 0.0013%; no homozygotes.

Submission:

Labcorp Genetics (formerly Invitae), Labcorp
Classification: Uncertain significance for Distal hereditary motor neuropathy type 2. Last evaluated: 2024-10-09. Review status: criteria provided, single submitter. Criteria: Invitae Variant Classification Sherloc (09022015). Collection method: clinical testing. Allele origin: germline.
Comment: This sequence change replaces glycine, which is neutral and non-polar, with valine, which is neutral and non-polar, at codon 79 of the FBXO38 protein (p.Gly79Val). This variant is present in population databases (rs765989865, gnomAD 0.007%). This variant has not been reported in the literature in individuals affected with FBXO38-related conditions. Invitae Evidence Modeling of protein sequence and biophysical properties (such as structural, functional, and spatial information, amino acid conservation, physicochemical variation, residue mobility, and thermodynamic stability) indicates that this missense variant is not expected to disrupt FBXO38 protein function with a negative predictive value of 80%. In summary, the available evidence is currently insufficient to determine the role of this variant in disease. Therefore, it has been classified as a Variant of Uncertain Significance.

NM_205836.3(FBXO38):c.236G>T (p.Gly79Val)

Gene: FBXO38 (F-box protein 38; plus strand). Cytogenetic location: 5q32.
Variant type: single nucleotide variant.
Coding change: c.236G>T on transcript NM_205836.3 (MANE Select); coding-DNA position 236, G replaced by T.
Protein change: p.Gly79Val; replaces glycine 79 with valine.
Molecular consequence: missense variant.
Genome position (GRCh38, 1-based): chr5:148,399,106, G>T. VCF-style: chr5-148399106-G-T. GRCh37 (hg19) VCF-style: chr5-147778669-G-T.
Other names: c.236G>T, p.Gly79Val (NM_001271723.2, NM_030793.5); short protein forms G79V.
Identifiers: ClinVar variation 3681290 (VCV003681290.2).